The following is an entry in ClinVar:

ClinVar aggregate classification (germline): Uncertain significance (1 of 4 stars; one submission).

Conditions:
Familial hemophagocytic lymphohistiocytosis 3 (FHL3). Also called: UNC13D-Related Familial Hemophagocytic Lymphohistiocytosis (UNC13D-fHLH). Identifiers: Orphanet 540, MedGen C1837174, MONDO:0012146, OMIM 608898.

Submission:

Labcorp Genetics (formerly Invitae), Labcorp
Classification: Uncertain significance for Familial hemophagocytic lymphohistiocytosis 3. Last evaluated: 2022-07-19. Review status: criteria provided, single submitter. Criteria: Invitae Variant Classification Sherloc (09022015). Collection method: clinical testing. Allele origin: germline.
Comment: This variant has not been reported in the literature in individuals affected with UNC13D-related conditions. This variant is not present in population databases (gnomAD no frequency). This sequence change replaces arginine, which is basic and polar, with leucine, which is neutral and non-polar, at codon 993 of the UNC13D protein (p.Arg993Leu). ClinVar contains an entry for this variant (Variation ID: 857335). In summary, the available evidence is currently insufficient to determine the role of this variant in disease. Therefore, it has been classified as a Variant of Uncertain Significance. Algorithms developed to predict the effect of missense changes on protein structure and function are either unavailable or do not agree on the potential impact of this missense change (SIFT: "Not Available"; PolyPhen-2: "Benign"; Align-GVGD: "Not Available").

NM_199242.3(UNC13D):c.2978G>T (p.Arg993Leu)

Gene: UNC13D (unc-13 homolog D; minus strand). Cytogenetic location: 17q25.1.
Variant type: single nucleotide variant.
Coding change: c.2978G>T on transcript NM_199242.3 (MANE Select); coding-DNA position 2978, G replaced by T.
Protein change: p.Arg993Leu; replaces arginine 993 with leucine.
Molecular consequence: missense variant.
Genome position (GRCh38, 1-based): chr17:75,828,960, C>A on the plus strand (G>T on the coding strand, the complement: UNC13D is on the minus strand). VCF-style: chr17-75828960-C-A. GRCh37 (hg19) VCF-style: chr17-73825041-C-A.
Other names: short protein forms R993L.
Identifiers: ClinVar variation 857335 (VCV000857335.5), dbSNP rs140452589, ClinGen allele CA401075393.